The following is an entry in ClinVar:

NM_182931.3(KMT2E):c.4400C>G (p.Pro1467Arg)

Gene: KMT2E (lysine methyltransferase 2E (inactive); plus strand). Cytogenetic location: 7q22.3.
Variant type: single nucleotide variant.
Coding change: c.4400C>G on transcript NM_182931.3 (MANE Select); coding-DNA position 4400, C replaced by G.
Protein change: p.Pro1467Arg; replaces proline 1467 with arginine.
Molecular consequence: missense variant.
Genome position (GRCh38, 1-based): chr7:105,112,156, C>G. VCF-style: chr7-105112156-C-G. GRCh37 (hg19) VCF-style: chr7-104752603-C-G.
Other names: c.4400C>G, p.Pro1467Arg (NM_018682.4); short protein forms P1467R.
Identifiers: ClinVar variation 1309382 (VCV001309382.2), dbSNP rs2129570190, ClinGen allele CA368792587.

ClinVar aggregate classification (germline): Uncertain significance (1 of 4 stars; one submission).

Submission:

GeneDx
Classification: Uncertain significance. Last evaluated: 2020-11-30. Review status: criteria provided, single submitter. Criteria: GeneDx Variant Classification Process June 2021. Collection method: clinical testing. Allele origin: germline. Affected: yes.
Comment: Not observed in large population cohorts (Lek et al., 2016); In silico analysis, which includes protein predictors and evolutionary conservation, supports a deleterious effect; Has not been previously published as pathogenic or benign to our knowledge